The following is an entry in ClinVar:

NM_002439.5(MSH3):c.1718G>A (p.Arg573Lys)

Gene: MSH3 (mutS homolog 3; plus strand). Cytogenetic location: 5q14.1.
Variant type: single nucleotide variant.
Coding change: c.1718G>A on transcript NM_002439.5 (MANE Select); coding-DNA position 1718, G replaced by A.
Protein change: p.Arg573Lys; replaces arginine 573 with lysine.
Molecular consequence: missense variant.
Genome position (GRCh38, 1-based): chr5:80,744,570, G>A. VCF-style: chr5-80744570-G-A. GRCh37 (hg19) VCF-style: chr5-80040389-G-A.
Other names: c.1718G>A (NM_002439.3); short protein forms R573K.
Identifiers: ClinVar variation 652262 (VCV000652262.14), dbSNP rs747248456, ClinGen allele CA3328011.

ClinVar aggregate classification (germline): Uncertain significance. Review status: criteria provided, multiple submitters, no conflicts (2 of 4 stars). 3 submissions from 3 submitters: Uncertain significance (3). Last evaluated 2025-09-27.

Conditions:
Hereditary cancer-predisposing syndrome. Also called: Neoplastic Syndromes, Hereditary; Tumor predisposition; Hereditary Cancer Syndrome; Hereditary neoplastic syndrome. Identifiers: Orphanet 140162, MedGen C0027672, MeSH D009386, MONDO:0015356.
Endometrial carcinoma. Also called: Endometrial carcinoma, somatic. Identifiers: MedGen C0476089, MONDO:0002447, OMIM 608089, HP:0012114.

Allele frequency attached by ClinVar (database versions not stated): gnomAD exomes below 0.00001; ExAC 0.00001.
gnomAD v4.1: 12 of 1,613,888 alleles (0.00074%); highest among the groups gnomAD compares: East Asian, 0.027%; no homozygotes.

Submissions (3):

Labcorp Genetics (formerly Invitae), Labcorp
Classification: Uncertain significance. Last evaluated: 2025-09-27. Review status: criteria provided, single submitter. Criteria: Invitae Variant Classification Sherloc (09022015). Collection method: clinical testing. Allele origin: germline.
Comment: This sequence change replaces arginine, which is basic and polar, with lysine, which is basic and polar, at codon 573 of the MSH3 protein (p.Arg573Lys). This variant is present in population databases (rs747248456, gnomAD 0.006%). This variant has not been reported in the literature in individuals affected with MSH3-related conditions. ClinVar contains an entry for this variant (Variation ID: 652262). An algorithm developed to predict the effect of missense changes on protein structure and function outputs the following: PolyPhen-2: "Benign". The lysine amino acid residue is found in multiple mammalian species, which suggests that this missense change does not adversely affect protein function. In summary, the available evidence is currently insufficient to determine the role of this variant in disease. Therefore, it has been classified as a Variant of Uncertain Significance.

Ambry Genetics
Classification: Uncertain significance for Hereditary cancer-predisposing syndrome. Last evaluated: 2025-05-05. Review status: criteria provided, single submitter. Criteria: Ambry Variant Classification Scheme 2023. Collection method: clinical testing. Allele origin: germline.
Comment: The p.R573K variant (also known as c.1718G>A), located in coding exon 12 of the MSH3 gene, results from a G to A substitution at nucleotide position 1718. The arginine at codon 573 is replaced by lysine, an amino acid with highly similar properties. This alteration was identified as heterozygous in the germline of a patient who met the WHO 2019 criteria for the diagnosis of Serrated polyposis syndrome (Hidaka M et al. BMC Res Notes, 2022 Nov;15:350). This amino acid position is well conserved in available vertebrate species; however, lysine is the reference amino acid in other vertebrate species. In addition, this alteration is predicted to be tolerated by in silico analysis. Since supporting evidence is limited at this time, the clinical significance of this alteration remains unclear.

Baylor Genetics
Classification: Uncertain significance for Endometrial carcinoma. Last evaluated: 2023-10-11. Review status: criteria provided, single submitter. Criteria: ACMG Guidelines, 2015. Collection method: clinical testing. Allele origin: unknown.

Literature cited by the submitters: PubMed 36419139 (cited by Ambry Genetics).